The following is an entry in ClinVar:

NM_001083614.2(EARS2):c.1546C>G (p.Arg516Gly)

Gene: EARS2 (glutamyl-tRNA synthetase 2, mitochondrial; minus strand). Cytogenetic location: 16p12.2.
Variant type: single nucleotide variant.
Coding change: c.1546C>G on transcript NM_001083614.2 (MANE Select); coding-DNA position 1546, C replaced by G.
Protein change: p.Arg516Gly; replaces arginine 516 with glycine.
Molecular consequence: missense variant. On other transcripts: non-coding transcript variant (1).
Genome position (GRCh38, 1-based): chr16:23,524,397, G>C on the plus strand (C>G on the coding strand, the complement: EARS2 is on the minus strand). VCF-style: chr16-23524397-G-C. GRCh37 (hg19) VCF-style: chr16-23535718-G-C.
Other names: c.1546C>G (NM_001083614.1); short protein forms R516G.
Identifiers: ClinVar variation 1348760 (VCV001348760.6), dbSNP rs769320749, ClinGen allele CA395125897.

ClinVar aggregate classification (germline): Uncertain significance. Review status: criteria provided, multiple submitters, no conflicts (2 of 4 stars). 3 submissions from 3 submitters: Uncertain significance (3). Last evaluated 2025-04-08.

gnomAD v4.1: 19 of 1,614,136 alleles (0.0012%); highest among the groups gnomAD compares: Non-Finnish European, 0.0014%; no homozygotes.

Submissions (3):

Labcorp Genetics (formerly Invitae), Labcorp
Classification: Uncertain significance. Last evaluated: 2025-04-08. Review status: criteria provided, single submitter. Criteria: Invitae Variant Classification Sherloc (09022015). Collection method: clinical testing. Allele origin: germline.
Comment: This sequence change replaces arginine, which is basic and polar, with glycine, which is neutral and non-polar, at codon 516 of the EARS2 protein (p.Arg516Gly). This variant is present in population databases (no rsID available, gnomAD 0.0009%). This variant has not been reported in the literature in individuals affected with EARS2-related conditions. ClinVar contains an entry for this variant (Variation ID: 1348760). Invitae Evidence Modeling of protein sequence and biophysical properties (such as structural, functional, and spatial information, amino acid conservation, physicochemical variation, residue mobility, and thermodynamic stability) indicates that this missense variant is expected to disrupt EARS2 protein function with a positive predictive value of 95%. Algorithms developed to predict the effect of sequence changes on RNA splicing suggest that this variant may disrupt the consensus splice site. This variant disrupts the p.Arg516 amino acid residue in EARS2. Other variant(s) that disrupt this residue have been observed in individuals with EARS2-related conditions (PMID: 22492562, 27206875), which suggests that this may be a clinically significant amino acid residue. In summary, the available evidence is currently insufficient to determine the role of this variant in disease. Therefore, it has been classified as a Variant of Uncertain Significance.

GeneDx
Classification: Uncertain significance. Last evaluated: 2024-12-28. Review status: criteria provided, single submitter. Criteria: GeneDx Variant Classification Process June 2021. Collection method: clinical testing. Allele origin: germline. Affected: yes.
Comment: Not observed at significant frequency in large population cohorts (gnomAD); In silico analysis supports that this missense variant has a deleterious effect on protein structure/function; Has not been previously published as pathogenic or benign to our knowledge; This variant is associated with the following publications: (PMID: 27206875, 22492562)

Blueprint Genetics
Classification: Uncertain significance. Last evaluated: 2024-03-02. Review status: criteria provided, single submitter. Criteria: ACMG Guidelines, 2015. Collection method: clinical testing. Allele origin: germline.

Literature cited by the submitters: PubMed 22492562 (cited by Labcorp Genetics (formerly Invitae), Labcorp); PubMed 27206875 (cited by Labcorp Genetics (formerly Invitae), Labcorp).